The following is an entry in ClinVar:

ClinVar aggregate classification (germline): Pathogenic (1 of 4 stars; one submission).

Conditions:
Choroideremia. Also called: Chorioretinal scalloped atrophy. Identifiers: Orphanet 180, MedGen C0008525, MONDO:0010557, OMIM 303100, HP:0001139.

Submission:

North West Genomic Laboratory Hub, Manchester University NHS Foundation Trust
Classification: Pathogenic for Choroideremia. Last evaluated: 2025-08-20. Review status: criteria provided, single submitter. Criteria: ACGS Best Practice Guidelines for Variant Classification in Rare Disease 2024. Collection method: clinical testing. Allele origin: germline. Affected: yes.
Comment: PVS1_VStr PM2_Mod

NM_000390.4(CHM):c.703-1_727delinsTTAGAT

Gene: CHM (CHM Rab escort protein; minus strand). Cytogenetic location: Xq21.2.
Variant type: Indel.
Coding change: c.703-1_727delinsTTAGAT on transcript NM_000390.4 (MANE Select); the canonical splice acceptor site of the intron before coding-DNA position 703 through coding-DNA position 727, GCTGCTGTATTCTCGAGGATTACTAA replaced by TTAGAT.
Molecular consequence: splice acceptor variant.
Genome position (GRCh38, 1-based): chrX:85,958,953-85,958,978, TTAGTAATCCTCGAGAATACAGCAGC replaced by ATCTAA on the plus strand (GCTGCTGTATTCTCGAGGATTACTAA replaced by TTAGAT on the coding strand, the reverse complement: CHM is on the minus strand). VCF-style: chrX-85958953-TTAGTAATCCTCGAGAATACAGCAGC-ATCTAA. GRCh37 (hg19) VCF-style: chrX-85213958-TTAGTAATCCTCGAGAATACAGCAGC-ATCTAA.
Other names: c.259-1_283delinsTTAGAT (NM_001362519.1, NM_001362517.1, NM_001320959.1 and 1 more transcripts).
Identifiers: ClinVar variation 4814181 (VCV004814181.1).
Genomic context (GRCh38, chrX:85,958,953, plus strand): 5'-TCCTGGTAATATTTTTAAACTCTGCATATCGACTAACATTAGATTTGATTAGAAGATCAA[TTAGTAATCCTCGAGAATACAGCAGC>ATCTAA]TGTACAAAGAAAATATTTTACAAGATAAAAGTTGAAATAGTAGAAAAATTGGAAAACAAT-3'